The following is an entry in ClinVar:

ClinVar aggregate classification (germline): Likely pathogenic (1 of 4 stars; one submission).

Conditions:
Autosomal recessive MUSK-related disorders.

Submission:

Variantyx, Inc.
Classification: Likely pathogenic for Autosomal recessive MUSK-related disorders. Last evaluated: 2025-11-02. Review status: criteria provided, single submitter. Criteria: Variantyx Assertion Criteria 2022. Collection method: clinical testing. Allele origin: germline. Inheritance: Autosomal recessive inheritance. Affected: no.
Comment: This is a nonsense variant in the MUSK gene (OMIM: 601296). Pathogenic variants in this gene have been associated with autosomal recessive MUSK-related disorders. This variant introduces a premature termination codon in exon 15 out of 15 and is expected to result in loss of function, which is a known disease mechanism for MUSK in this disorder (PMID: 31765060) (PVS1). This variant is absent from control populations (PM2) and has not been reported in individuals with MUSK-related disorders in the databases available for review. Based on the current evidence, this variant is classified as likely pathogenic for autosomal recessive MUSK-related disorders.

Literature cited by the submitters: PubMed 31765060.

NM_005592.4(MUSK):c.2193C>A (p.Cys731Ter)

Gene: MUSK (muscle associated receptor tyrosine kinase; plus strand). Cytogenetic location: 9q31.3.
Variant type: single nucleotide variant.
Coding change: c.2193C>A on transcript NM_005592.4 (MANE Select); coding-DNA position 2193, C replaced by A.
Protein change: p.Cys731Ter; replaces cysteine 731 with a stop codon.
Molecular consequence: nonsense.
Genome position (GRCh38, 1-based): chr9:110,800,571, C>A. VCF-style: chr9-110800571-C-A. GRCh37 (hg19) VCF-style: chr9-113562851-C-A.
Other names: c.1935C>A, p.Cys645Ter (NM_001166280.2); c.1905C>A, p.Cys635Ter (NM_001166281.2); c.933C>A, p.Cys311Ter (NM_001369398.1); short protein forms C311*, C635*, C645*, C731*.
Identifiers: ClinVar variation 4813700 (VCV004813700.1).